The following is an entry in ClinVar:

NM_001077350.3(NPRL3):c.1214A>T (p.Gln405Leu)

Genes: HBA-LCR (alpha-globin locus control region; plus strand), NPRL3 (NPR3 like, GATOR1 complex subunit; minus strand). Cytogenetic location: 16p13.3.
Variant type: single nucleotide variant.
Coding change: c.1214A>T on transcript NM_001077350.3 (MANE Select); coding-DNA position 1214, A replaced by T.
Protein change: p.Gln405Leu; replaces glutamine 405 with leucine.
Molecular consequence: missense variant.
Genome position (GRCh38, 1-based): chr16:89,850, T>A on the plus strand (A>T on the coding strand, the complement: NPRL3 is on the minus strand). VCF-style: chr16-89850-T-A. GRCh37 (hg19) VCF-style: chr16-139848-T-A.
Other names: c.677A>T, p.Gln226Leu (NM_001039476.3); c.980A>T, p.Gln327Leu (NM_001243247.2); c.1139A>T, p.Gln380Leu (NM_001243248.2, NM_001243249.2); short protein forms Q226L, Q380L, Q327L, Q405L.
Identifiers: ClinVar variation 4745600 (VCV004745600.1).

ClinVar aggregate classification (germline): Uncertain significance (1 of 4 stars; one submission).

Conditions:
Epilepsy, familial focal, with variable foci 3 (FFEVF3). Identifiers: MedGen C4310708, MONDO:0014925, OMIM 617118.

Submission:

Labcorp Genetics (formerly Invitae), Labcorp
Classification: Uncertain significance for Epilepsy, familial focal, with variable foci 3. Last evaluated: 2026-01-26. Review status: criteria provided, single submitter. Criteria: Invitae Variant Classification Sherloc (09022015). Collection method: clinical testing. Allele origin: germline.
Comment: This sequence change replaces glutamine, which is neutral and polar, with leucine, which is neutral and non-polar, at codon 405 of the NPRL3 protein (p.Gln405Leu). This variant is not present in population databases (gnomAD no frequency). This variant has not been reported in the literature in individuals affected with NPRL3-related conditions. Invitae Evidence Modeling of protein sequence and biophysical properties (such as structural, functional, and spatial information, amino acid conservation, physicochemical variation, residue mobility, and thermodynamic stability) indicates that this missense variant is expected to disrupt NPRL3 protein function with a positive predictive value of 80%. In summary, the available evidence is currently insufficient to determine the role of this variant in disease. Therefore, it has been classified as a Variant of Uncertain Significance.